The following is an entry in ClinVar:

NM_000170.3(GLDC):c.382del (p.Gln128fs)

Gene: GLDC (glycine decarboxylase; minus strand). Cytogenetic location: 9p24.1.
Variant type: Deletion.
Coding change: c.382del on transcript NM_000170.3 (MANE Select); coding-DNA position 382, one base deleted (C; older notation c.382delC).
Protein change: p.Gln128fs; shifts the reading frame from glutamine 128.
Molecular consequence: frameshift variant.
Genome position (GRCh38, 1-based): chr9:6,620,272, G deleted on the plus strand (C on the coding strand, the reverse complement: GLDC is on the minus strand); the first of 2 consecutive G bases (chr9:6,620,272-6,620,273); deleting either gives the same sequence. VCF-style (leftmost placement, unchanged base first): chr9-6620271-TG-T. GRCh37 (hg19) VCF-style: chr9-6620271-TG-T.
Other names: short protein forms Q128fs.
Identifiers: ClinVar variation 4750128 (VCV004750128.1).
Genomic context (GRCh38, chr9:6,620,271, plus strand): 5'-AAAATCGTCTGTGGCACTGAGCAGTTATAATAGCCCATGCCAATATACGATCTCCAGATC[TG>T]GTTTTTGCTTGAAATGGCATGCAGAGTTGCAAGGATTTCATTTTCACCTAATTGTGGGAA-3'

ClinVar aggregate classification (germline): Pathogenic (1 of 4 stars; one submission).

Conditions:
Glycine encephalopathy. Also called: Nonketotic hyperglycinemia; Non-ketotic hyperglycinemia. Identifiers: Orphanet 407, MedGen C0751748, MONDO:0011612, HP:0008288.

Submission:

Labcorp Genetics (formerly Invitae), Labcorp
Classification: Pathogenic for Glycine encephalopathy. Last evaluated: 2025-11-06. Review status: criteria provided, single submitter. Criteria: Invitae Variant Classification Sherloc (09022015). Collection method: clinical testing. Allele origin: germline.
Comment: This sequence change creates a premature translational stop signal (p.Gln128Argfs*103) in the GLDC gene. It is expected to result in an absent or disrupted protein product. Loss-of-function variants in GLDC are known to be pathogenic (PMID: 16601880). This variant is not present in population databases (gnomAD no frequency). This premature translational stop signal has been observed in individual(s) with non-ketotic hyperglycinemia (PMID: 31395954). For these reasons, this variant has been classified as Pathogenic.

Literature cited by the submitters: PubMed 16601880; PubMed 31395954.